The following is an entry in ClinVar:

ClinVar aggregate classification (germline): Benign/Likely benign. Review status: criteria provided, multiple submitters, no conflicts (2 of 4 stars). 7 submissions from 7 submitters: Benign (2); Likely benign (3). 2 of the submissions do not count toward it. Last evaluated 2026-07-01.

Allele frequency attached by ClinVar (database versions not stated): ESP Exome Variant Server 0.00236; gnomAD exomes 0.00236 and 0.00294; ExAC 0.00408; 1000 Genomes Project 0.00060; 1000 Genomes Project 30x 0.00094; TOPMed 0.00219; gnomAD 0.00224 and 0.00229.
gnomAD v4.1: 4,494 of 1,570,872 alleles (0.29%); highest among the groups gnomAD compares: Non-Finnish European, 0.34%; 11 homozygotes.

Submissions (7):

CeGaT Center for Human Genetics Tuebingen
Classification: Likely benign. Last evaluated: 2026-07-01. Review status: criteria provided, single submitter. Criteria: CeGaT Center For Human Genetics Tuebingen Variant Classification Criteria Version 2. Collection method: clinical testing. Allele origin: germline. Affected: yes. Observed: 8 variant alleles.
Comment: CAPN1: BP4, BP7

Labcorp Genetics (formerly Invitae), Labcorp
Classification: Benign. Last evaluated: 2026-01-12. Review status: criteria provided, single submitter. Criteria: Invitae Variant Classification Sherloc (09022015). Collection method: clinical testing. Allele origin: germline.

Blueprint Genetics
Classification: Likely benign. Last evaluated: 2024-11-22. Review status: criteria provided, single submitter. Criteria: ACMG Guidelines, 2015. Collection method: clinical testing. Allele origin: germline.

Mayo Clinic Laboratories, Mayo Clinic
Classification: Benign. Last evaluated: 2024-09-18. Review status: criteria provided, single submitter. Criteria: ACMG Guidelines, 2015. Collection method: clinical testing. Allele origin: germline. Observed: 5 variant alleles.
Comment: BS1, BS2, BP4, BP7

Breakthrough Genomics
Classification: Likely benign. Review status: criteria provided, single submitter. Criteria: ACMG Guidelines, 2015. Collection method: not provided. Allele origin: germline. Inheritance: Autosomal recessive inheritance. Affected: yes.

Clinical Genetics DNA and cytogenetics Diagnostics Lab, Erasmus MC, Erasmus Medical Center
Classification: Likely benign. Review status: no assertion criteria provided. Collection method: clinical testing. Allele origin: germline. Affected: yes. Study: VKGL Data-share Consensus. Not counted in ClinVar's aggregate classification.

Genome Diagnostics Laboratory, University Medical Center Utrecht
Classification: Benign. Review status: no assertion criteria provided. Collection method: clinical testing. Allele origin: germline. Affected: yes. Study: VKGL Data-share Consensus. Not counted in ClinVar's aggregate classification.

NM_005186.4(CAPN1):c.1152C>T (p.Cys384=)

Gene: CAPN1 (calpain 1; plus strand). Cytogenetic location: 11q13.1.
Variant type: single nucleotide variant.
Coding change: c.1152C>T on transcript NM_005186.4 (MANE Select); coding-DNA position 1152, C replaced by T.
Protein change: p.Cys384=; no amino-acid change (cysteine 384 retained).
Molecular consequence: synonymous variant. On other transcripts: non-coding transcript variant (1).
Genome position (GRCh38, 1-based): chr11:65,188,733, C>T. VCF-style: chr11-65188733-C-T. GRCh37 (hg19) VCF-style: chr11-64956204-C-T.
Other names: p.Cys384=; c.1152C>T, p.Cys384= (NM_001198868.2, NM_001198869.2).
Identifiers: ClinVar variation 780054 (VCV000780054.48), dbSNP rs17881532, ClinGen allele CA6093308.